The following is an entry in ClinVar:

ClinVar aggregate classification (germline): Uncertain significance (1 of 4 stars; one submission).

gnomAD v4.1: 2 of 1,610,376 alleles (0.00012%); highest among the groups gnomAD compares: Admixed American, 0.0034%; no homozygotes.

Submission:

Ambry Genetics
Classification: Uncertain significance. Last evaluated: 2026-02-23. Review status: criteria provided, single submitter. Criteria: Ambry Variant Classification Scheme 2023. Collection method: clinical testing. Allele origin: germline.
Comment: The p.A357G variant (also known as c.1070C>G), located in coding exon 10 of the SRP72 gene, results from a C to G substitution at nucleotide position 1070. The alanine at codon 357 is replaced by glycine, an amino acid with similar properties. This amino acid position is conserved. In addition, this alteration is predicted to be deleterious by in silico analysis. Based on the available evidence, the clinical significance of this variant remains unclear.

NM_006947.4(SRP72):c.1070C>G (p.Ala357Gly)

Gene: SRP72 (signal recognition particle 72; plus strand). Cytogenetic location: 4q12.
Variant type: single nucleotide variant.
Coding change: c.1070C>G on transcript NM_006947.4 (MANE Select); coding-DNA position 1070, C replaced by G.
Protein change: p.Ala357Gly; replaces alanine 357 with glycine.
Molecular consequence: missense variant. On other transcripts: non-coding transcript variant (1).
Genome position (GRCh38, 1-based): chr4:56,484,848, C>G. VCF-style: chr4-56484848-C-G. GRCh37 (hg19) VCF-style: chr4-57351014-C-G.
Other names: c.887C>G, p.Ala296Gly (NM_001267722.2); short protein forms A296G, A357G.
Identifiers: ClinVar variation 4825775 (VCV004825775.1).